The following is an entry in ClinVar:

ClinVar aggregate classification (germline): Uncertain significance (1 of 4 stars; one submission).

Conditions:
Muscular dystrophy-dystroglycanopathy (congenital with impaired intellectual development), type B, 14. Also called: Congenital muscular dystrophy-dystroglycanopathy with mental retardation, type B14; Muscular dystrophy-dystroglycanopathy (congenital with intellectual disability), type B14; MUSCULAR DYSTROPHY, CONGENITAL, GMPPB-RELATED. Identifiers: MedGen C3809221, MONDO:0014141, OMIM 615351.
Autosomal recessive limb-girdle muscular dystrophy type 2T. Also called: MUSCULAR DYSTROPHY-DYSTROGLYCANOPATHY, LIMB-GIRDLE, GMPPB-RELATED; MUSCULAR DYSTROPHY, LIMB-GIRDLE, TYPE 2T; Muscular dystrophy-dystroglycanopathy (limb-girdle), type c, 14; Limb-girdle muscular dystrophy-dystroglycanopathy, type C14. Identifiers: Orphanet 363623, MedGen C4518000, MONDO:0014142, OMIM 615352.
Muscular dystrophy-dystroglycanopathy (congenital with brain and eye anomalies), type A14. Also called: Congenital muscular dystrophy-dystroglycanopathy with brain and eye anomalies, type A14; WALKER-WARBURG SYNDROME OR MUSCLE-EYE-BRAIN DISEASE, GMPPB-RELATED; Muscular dystrophy-dystroglycanopathy (congenital with brain and eye anomalies), type a, 14; Congenital Muscular Dystrophy-Dystroglycanopathy with Brain and Eye Anomalies Type A 14. Identifiers: Orphanet 588, MedGen C3809216, MONDO:0014140, OMIM 615350.

Submission:

Labcorp Genetics (formerly Invitae), Labcorp
Classification: Uncertain significance for Autosomal recessive limb-girdle muscular dystrophy type 2T; Muscular dystrophy-dystroglycanopathy (congenital with brain and eye anomalies), type A14; Muscular dystrophy-dystroglycanopathy (congenital with impaired intellectual development), type B, 14. Last evaluated: 2021-04-02. Review status: criteria provided, single submitter. Criteria: Invitae Variant Classification Sherloc (09022015). Collection method: clinical testing. Allele origin: germline.
Comment: This sequence change falls in intron 5 of the GMPPB gene. It does not directly change the encoded amino acid sequence of the GMPPB protein. In summary, the available evidence is currently insufficient to determine the role of this variant in disease. Therefore, it has been classified as a Variant of Uncertain Significance. Algorithms developed to predict the effect of sequence changes on RNA splicing suggest that this variant may disrupt the consensus splice site, but this prediction has not been confirmed by published transcriptional studies. This variant has not been reported in the literature in individuals with GMPPB-related conditions. This variant is not present in population databases (ExAC no frequency).

NM_021971.4(GMPPB):c.562-7C>G

Gene: GMPPB (GDP-mannose pyrophosphorylase B; minus strand). Cytogenetic location: 3p21.31.
Variant type: single nucleotide variant.
Coding change: c.562-7C>G on transcript NM_021971.4 (MANE Select); 7 bases into the intron before coding-DNA position 562, C replaced by G.
Molecular consequence: intron variant.
Genome position (GRCh38, 1-based): chr3:49,722,517, G>C on the plus strand (C>G on the coding strand, the complement: GMPPB is on the minus strand). VCF-style: chr3-49722517-G-C. GRCh37 (hg19) VCF-style: chr3-49759950-G-C.
Other names: c.562-7C>G (NM_013334.4).
Identifiers: ClinVar variation 1522281 (VCV001522281.8), dbSNP rs2108211626, ClinGen allele CA2573137188.
Genomic context (GRCh38, chr3:49,722,517, plus strand): 5'-CCCCTCCTTGGCCATAATGGGGAAGACCTCCTTCTCAATGGACGTAGGCTGCAGCTGTGG[G>C]AGTGGGCAGCTTGTGAGCAGGGTCATGGCGGTGATGGCCTGCCCCACCCCAGCCCACCAA-3'